The following is an entry in ClinVar:

NM_001374736.1(DST):c.22963C>T (p.Leu7655Phe)

Gene: DST (dystonin; minus strand). Cytogenetic location: 6p12.1.
Variant type: single nucleotide variant.
Coding change: c.22963C>T on transcript NM_001374736.1 (MANE Select); coding-DNA position 22963, C replaced by T.
Protein change: p.Leu7655Phe; replaces leucine 7655 with phenylalanine.
Molecular consequence: missense variant. On other transcripts: intron variant (2).
Genome position (GRCh38, 1-based): chr6:56,463,153, G>A on the plus strand (C>T on the coding strand, the complement: DST is on the minus strand). VCF-style: chr6-56463153-G-A. GRCh37 (hg19) VCF-style: chr6-56327951-G-A.
Other names: c.16534C>T, p.Leu5512Phe (NM_001144769.5); c.16120C>T, p.Leu5374Phe (NM_001144770.2); c.22891C>T, p.Leu7631Phe (NM_001374722.1); c.22918C>T, p.Leu7640Phe (NM_001374734.1); c.15982C>T, p.Leu5328Phe (NM_001386100.1); c.15022C>T, p.Leu5008Phe (NM_015548.5); c.16000C>T, p.Leu5334Phe (NM_183380.4); c.15741+412C>T (NM_001374730.1); and 1 more; short protein forms L5008F, L5328F, L5334F, L5374F, L5512F, L7631F, L7640F, L7655F.
Identifiers: ClinVar variation 1054875 (VCV001054875.6), dbSNP rs546355407, ClinGen allele CA139164585.

ClinVar aggregate classification (germline): Uncertain significance (1 of 4 stars; one submission).

Conditions:
Epidermolysis bullosa simplex 3, localized or generalized intermediate, with BP230 deficiency (EBS3). Also called: Epidermolysis bullosa simplex due to BP230 deficiency; Epidermolysis bullosa simplex, autosomal recessive 2. Identifiers: Orphanet 412181, MedGen C3809470, MONDO:0014180, OMIM 615425.
Hereditary sensory and autonomic neuropathy type 6. Also called: HSAN VI; Neuropathy, hereditary sensory and autonomic, type VI. Identifiers: Orphanet 314381, MedGen C3539003, MONDO:0013839, OMIM 614653.

Allele frequency attached by ClinVar (database versions not stated): gnomAD 0.00001 and 0.00002; gnomAD exomes 0.00003 and 0.00004; TOPMed 0.00004.
gnomAD v4.1: 41 of 1,586,482 alleles (0.0026%); highest among the groups gnomAD compares: Admixed American, 0.017%; no homozygotes.

Submission:

Labcorp Genetics (formerly Invitae), Labcorp
Classification: Uncertain significance for Epidermolysis bullosa simplex 3, localized or generalized intermediate, with BP230 deficiency; Hereditary sensory and autonomic neuropathy type 6. Last evaluated: 2022-07-31. Review status: criteria provided, single submitter. Criteria: Invitae Variant Classification Sherloc (09022015). Collection method: clinical testing. Allele origin: germline.
Comment: The DST gene has multiple clinically relevant transcripts. This variant occurs in alternate transcript NM_015548.4, and corresponds to NM_001723.5:c.*152364C>T in the primary transcript. This sequence change replaces leucine, which is neutral and non-polar, with phenylalanine, which is neutral and non-polar, at codon 5008 of the DST protein (p.Leu5008Phe). This variant is present in population databases (rs546355407, gnomAD 0.03%). This variant has not been reported in the literature in individuals affected with DST-related conditions. Experimental studies and prediction algorithms are not available or were not evaluated, and the functional significance of this variant is currently unknown. In summary, the available evidence is currently insufficient to determine the role of this variant in disease. Therefore, it has been classified as a Variant of Uncertain Significance.